The following is an entry in ClinVar:

ClinVar aggregate classification (germline): Uncertain significance (1 of 4 stars; one submission).

Allele frequency attached by ClinVar (database versions not stated): gnomAD exomes below 0.00001; gnomAD 0.00001.

Submission:

Women's Health and Genetics/Laboratory Corporation of America, LabCorp
Classification: Uncertain significance. Last evaluated: 2023-02-15. Review status: criteria provided, single submitter. Criteria: LabCorp Variant Classification Summary - May 2015. Collection method: clinical testing. Allele origin: germline.
Comment: Variant summary: CYP1B1 c.284T>C (p.Val95Ala) results in a non-conservative amino acid change in the encoded protein sequence. Five of five in-silico tools predict a damaging effect of the variant on protein function. The variant allele was found at a frequency of 1.3e-05 in 225650 control chromosomes (gnomAD and publication data). The available data on variant occurrences in the general population are insufficient to allow any conclusion about variant significance. c.284T>C has been reported in the literature in individuals affected with Primary Congenital Glaucoma or high myopia (Chen_2008, Gong_2014, Liu_2021). These reports do not provide unequivocal conclusions about association of the variant with Primary Congenital Glaucoma. To our knowledge, no experimental evidence demonstrating an impact on protein function has been reported. No clinical diagnostic laboratories have submitted clinical-significance assessments for this variant to ClinVar after 2014. Based on the evidence outlined above, the variant was classified as uncertain significance.

Literature cited by the submitters: PubMed 18852424; PubMed 25527694; PubMed 34222226.

NM_000104.4(CYP1B1):c.284T>C (p.Val95Ala)

Gene: CYP1B1 (cytochrome P450 family 1 subfamily B member 1; minus strand). Cytogenetic location: 2p22.2.
Variant type: single nucleotide variant.
Coding change: c.284T>C on transcript NM_000104.4 (MANE Select); coding-DNA position 284, T replaced by C.
Protein change: p.Val95Ala; replaces valine 95 with alanine.
Molecular consequence: missense variant.
Genome position (GRCh38, 1-based): chr2:38,075,105, A>G on the plus strand (T>C on the coding strand, the complement: CYP1B1 is on the minus strand). VCF-style: chr2-38075105-A-G. GRCh37 (hg19) VCF-style: chr2-38302248-A-G.
Other names: c.284T>C (NM_000104.3); short protein forms V95A.
Identifiers: ClinVar variation 2445851 (VCV002445851.1), dbSNP rs769492120, ClinGen allele CA1620063.